The following is an entry in ClinVar:

NM_004360.5(CDH1):c.2150T>C (p.Ile717Thr)

Gene: CDH1 (cadherin 1; plus strand). Cytogenetic location: 16q22.1.
Variant type: single nucleotide variant.
Coding change: c.2150T>C on transcript NM_004360.5 (MANE Select); coding-DNA position 2150, T replaced by C.
Protein change: p.Ile717Thr; replaces isoleucine 717 with threonine.
Molecular consequence: missense variant.
Genome position (GRCh38, 1-based): chr16:68,823,612, T>C. VCF-style: chr16-68823612-T-C. GRCh37 (hg19) VCF-style: chr16-68857515-T-C.
Other names: c.2150T>C (LRG_301t1); c.1967T>C, p.Ile656Thr (NM_001317184.2); c.602T>C, p.Ile201Thr (NM_001317185.2); c.185T>C, p.Ile62Thr (NM_001317186.2); short protein forms I717T, I62T, I201T, I656T.
Identifiers: ClinVar variation 647993 (VCV000647993.13), dbSNP rs1596966137, ClinGen allele CA396467948.

ClinVar aggregate classification (germline): Uncertain significance. Review status: criteria provided, multiple submitters, no conflicts (2 of 4 stars). 2 submissions from 2 submitters: Uncertain significance (2). Last evaluated 2021-01-26.

Conditions:
Hereditary diffuse gastric adenocarcinoma (HDGC). Also called: DIFFUSE GASTRIC AND LOBULAR BREAST CANCER SYNDROME. Identifiers: Orphanet 26106, MedGen C1708349, MONDO:0007648, OMIM 137215.
Hereditary cancer-predisposing syndrome. Also called: Hereditary Cancer Syndrome; Tumor predisposition; Neoplastic Syndromes, Hereditary; Hereditary neoplastic syndrome. Identifiers: Orphanet 140162, MedGen C0027672, MeSH D009386, MONDO:0015356.

Submissions (2):

Labcorp Genetics (formerly Invitae), Labcorp
Classification: Uncertain significance for Hereditary diffuse gastric adenocarcinoma. Last evaluated: 2021-01-26. Review status: criteria provided, single submitter. Criteria: Invitae Variant Classification Sherloc (09022015). Collection method: clinical testing. Allele origin: germline.
Comment: This sequence change replaces isoleucine with threonine at codon 717 of the CDH1 protein (p.Ile717Thr). The isoleucine residue is highly conserved and there is a moderate physicochemical difference between isoleucine and threonine. In summary, the available evidence is currently insufficient to determine the role of this variant in disease. Therefore, it has been classified as a Variant of Uncertain Significance. Algorithms developed to predict the effect of missense changes on protein structure and function (SIFT, PolyPhen-2, Align-GVGD) all suggest that this variant is likely to be disruptive, but these predictions have not been confirmed by published functional studies and their clinical significance is uncertain. This variant has not been reported in the literature in individuals with CDH1-related disease. This variant is not present in population databases (ExAC no frequency).

Ambry Genetics
Classification: Uncertain significance for Hereditary cancer-predisposing syndrome. Last evaluated: 2017-10-23. Review status: criteria provided, single submitter. Criteria: Ambry Variant Classification Scheme 2023. Collection method: clinical testing. Allele origin: germline.
Comment: The p.I717T variant (also known as c.2150T>C), located in coding exon 13 of the CDH1 gene, results from a T to C substitution at nucleotide position 2150. The isoleucine at codon 717 is replaced by threonine, an amino acid with similar properties. This amino acid position is highly conserved in available vertebrate species. In addition, the in silico prediction for this alteration is inconclusive. Since supporting evidence is limited at this time, the clinical significance of this alteration remains unclear.